The following is an entry in ClinVar:

ClinVar aggregate classification (germline): Uncertain significance. Review status: criteria provided, multiple submitters, no conflicts (2 of 4 stars). 3 submissions from 3 submitters: Uncertain significance (3). Last evaluated 2025-08-06.

Conditions:
Inborn genetic diseases. Identifiers: MedGen C0950123, MeSH D030342.

gnomAD v4.1: 21 of 1,613,914 alleles (0.0013%); highest among the groups gnomAD compares: Middle Eastern, 0.016%; no homozygotes.

Submissions (3):

Ambry Genetics
Classification: Uncertain significance for Inborn genetic diseases. Last evaluated: 2025-08-06. Review status: criteria provided, single submitter. Criteria: Ambry Variant Classification Scheme 2023. Collection method: clinical testing. Allele origin: germline.

Blueprint Genetics
Classification: Uncertain significance. Last evaluated: 2023-03-24. Review status: criteria provided, single submitter. Criteria: ACMG Guidelines, 2015. Collection method: clinical testing. Allele origin: germline.

Labcorp Genetics (formerly Invitae), Labcorp
Classification: Uncertain significance. Last evaluated: 2022-06-09. Review status: criteria provided, single submitter. Criteria: Invitae Variant Classification Sherloc (09022015). Collection method: clinical testing. Allele origin: germline.
Comment: This sequence change replaces alanine, which is neutral and non-polar, with glutamic acid, which is acidic and polar, at codon 145 of the ADAM9 protein (p.Ala145Glu). This variant is present in population databases (rs768450851, gnomAD 0.002%). This variant has not been reported in the literature in individuals affected with ADAM9-related conditions. Algorithms developed to predict the effect of missense changes on protein structure and function (SIFT, PolyPhen-2, Align-GVGD) all suggest that this variant is likely to be tolerated. In summary, the available evidence is currently insufficient to determine the role of this variant in disease. Therefore, it has been classified as a Variant of Uncertain Significance.

NM_003816.3(ADAM9):c.434C>A (p.Ala145Glu)

Gene: ADAM9 (ADAM metallopeptidase domain 9; plus strand). Cytogenetic location: 8p11.22.
Variant type: single nucleotide variant.
Coding change: c.434C>A on transcript NM_003816.3 (MANE Select); coding-DNA position 434, C replaced by A.
Protein change: p.Ala145Glu; replaces alanine 145 with glutamic acid.
Molecular consequence: missense variant. On other transcripts: non-coding transcript variant (3).
Genome position (GRCh38, 1-based): chr8:39,017,242, C>A. VCF-style: chr8-39017242-C-A. GRCh37 (hg19) VCF-style: chr8-38874761-C-A.
Other names: c.434C>A (NM_003816.2); short protein forms A145E.
Identifiers: ClinVar variation 1918890 (VCV001918890.4), dbSNP rs768450851, ClinGen allele CA175205501.